The following is an entry in ClinVar:

NM_015047.3(EMC1):c.2011T>C (p.Phe671Leu)

Genes: EMC1 (ER membrane protein complex subunit 1; minus strand), EMC1-AS1 (EMC1 antisense RNA 1; plus strand). Cytogenetic location: 1p36.13.
Variant type: single nucleotide variant.
Coding change: c.2011T>C on transcript NM_015047.3 (MANE Select); coding-DNA position 2011, T replaced by C.
Protein change: p.Phe671Leu; replaces phenylalanine 671 with leucine.
Molecular consequence: missense variant.
Genome position (GRCh38, 1-based): chr1:19,230,897, A>G on the plus strand (T>C on the coding strand, the complement: EMC1 is on the minus strand). VCF-style: chr1-19230897-A-G. GRCh37 (hg19) VCF-style: chr1-19557391-A-G.
Other names: c.2008T>C, p.Phe670Leu (NM_001271427.2, NM_001271428.2); c.1945T>C, p.Phe649Leu (NM_001271429.2); c.2020T>C, p.Phe674Leu (NM_001375820.1); c.2017T>C, p.Phe673Leu (NM_001375821.1); short protein forms F649L, F670L, F671L, F673L, F674L.
Identifiers: ClinVar variation 3622834 (VCV003622834.2).

ClinVar aggregate classification (germline): Uncertain significance (1 of 4 stars; one submission).

gnomAD v4.1: 4 of 1,614,188 alleles (0.00025%); highest among the groups gnomAD compares: Admixed American, 0.0017%; no homozygotes.

Submission:

Labcorp Genetics (formerly Invitae), Labcorp
Classification: Uncertain significance. Last evaluated: 2025-04-01. Review status: criteria provided, single submitter. Criteria: Invitae Variant Classification Sherloc (09022015). Collection method: clinical testing. Allele origin: germline.
Comment: This sequence change replaces phenylalanine, which is neutral and non-polar, with leucine, which is neutral and non-polar, at codon 671 of the EMC1 protein (p.Phe671Leu). This variant is not present in population databases (gnomAD no frequency). This variant has not been reported in the literature in individuals affected with EMC1-related conditions. Invitae Evidence Modeling of protein sequence and biophysical properties (such as structural, functional, and spatial information, amino acid conservation, physicochemical variation, residue mobility, and thermodynamic stability) indicates that this missense variant is not expected to disrupt EMC1 protein function with a negative predictive value of 80%. In summary, the available evidence is currently insufficient to determine the role of this variant in disease. Therefore, it has been classified as a Variant of Uncertain Significance.